The following is an entry in ClinVar:

NM_006206.6(PDGFRA):c.1010T>C (p.Val337Ala)

Gene: PDGFRA (platelet derived growth factor receptor alpha; plus strand). Cytogenetic location: 4q12.
Variant type: single nucleotide variant.
Coding change: c.1010T>C on transcript NM_006206.6 (MANE Select); coding-DNA position 1010, T replaced by C.
Protein change: p.Val337Ala; replaces valine 337 with alanine.
Molecular consequence: missense variant.
Genome position (GRCh38, 1-based): chr4:54,267,630, T>C. VCF-style: chr4-54267630-T-C. GRCh37 (hg19) VCF-style: chr4-55133797-T-C.
Other names: c.1049T>C, p.Val350Ala (NM_001347830.2); c.1010T>C, p.Val337Ala (NM_001347827.2, NM_001347829.2); c.1085T>C, p.Val362Ala (NM_001347828.2); short protein forms V362A, V337A, V350A.
Identifiers: ClinVar variation 2760827 (VCV002760827.3), dbSNP rs2475455718, ClinGen allele CA356891606.
Genomic context (GRCh38, chr4:54,267,630, plus strand): 5'-TCAAACCCACCTTCAGCCAGTTGGAAGCTGTCAACCTGCATGAAGTCAAACATTTTGTTG[T>C]AGAGGTGCGGGCCTACCCACCTCCCAGGATATCCTGGCTGAAAAACAATCTGACTCTGAT-3'
Protein context (NP_006197.1, residues 327-347): VNLHEVKHFV[Val337Ala]EVRAYPPPRI

ClinVar aggregate classification (germline): Uncertain significance (1 of 4 stars; one submission).

Conditions:
Gastrointestinal stromal tumor. Also called: Gastrointestinal stromal tumor, somatic; Gastrointestinal stroma tumor. Identifiers: Orphanet 44890, MedGen C0238198, MeSH D046152, MONDO:0011719, OMIM 606764, HP:0100723.

Submission:

Labcorp Genetics (formerly Invitae), Labcorp
Classification: Uncertain significance for Gastrointestinal stromal tumor. Last evaluated: 2024-09-24. Review status: criteria provided, single submitter. Criteria: Invitae Variant Classification Sherloc (09022015). Collection method: clinical testing. Allele origin: germline.
Comment: This sequence change replaces valine, which is neutral and non-polar, with alanine, which is neutral and non-polar, at codon 337 of the PDGFRA protein (p.Val337Ala). This variant is not present in population databases (gnomAD no frequency). This variant has not been reported in the literature in individuals affected with PDGFRA-related conditions. Invitae Evidence Modeling of protein sequence and biophysical properties (such as structural, functional, and spatial information, amino acid conservation, physicochemical variation, residue mobility, and thermodynamic stability) indicates that this missense variant is not expected to disrupt PDGFRA protein function with a negative predictive value of 80%. In summary, the available evidence is currently insufficient to determine the role of this variant in disease. Therefore, it has been classified as a Variant of Uncertain Significance.